The following is an entry in ClinVar:

NM_007294.4(BRCA1):c.2070_2071del (p.Arg691fs)

Gene: BRCA1 (BRCA1 DNA repair associated; minus strand). Cytogenetic location: 17q21.31.
Variant type: Deletion.
Coding change: c.2070_2071del on transcript NM_007294.4 (MANE Select); coding-DNA positions 2070 to 2071, 2 bases deleted (AA; older notation c.2070_2071delAA).
Protein change: p.Arg691fs; shifts the reading frame from arginine 691.
Molecular consequence: frameshift variant. On other transcripts: intron variant (137).
Genome position (GRCh38, 1-based): chr17:43,093,460-43,093,461, TT deleted on the plus strand (AA on the coding strand, the reverse complement: BRCA1 is on the minus strand); deleting any 2 consecutive bases within chr17:43,093,460-43,093,463 gives the same sequence; the c. name uses the placement nearest the transcript's 3' end. VCF-style (leftmost placement, unchanged base first): chr17-43093459-CTT-C. GRCh37 (hg19) VCF-style: chr17-41245476-CTT-C.
Other names: 2189delAA; c.1857_1858del, p.Arg620fs (NM_001407571.1, NM_001407853.1, NM_001407894.1 and 9 more transcripts); c.2070_2071del, p.Arg691fs (NM_001407596.1, NM_001407597.1, NM_001407598.1 and 30 more transcripts); c.2067_2068del, p.Arg690fs (NM_001407610.1, NM_001407611.1, NM_001407612.1 and 22 more transcripts); c.2061_2062del, p.Arg688fs (NM_001407646.1, NM_001407647.1); c.1947_1948del, p.Arg650fs (NM_001407648.1, NM_001407664.1, NM_001407665.1 and 19 more transcripts); c.1944_1945del, p.Arg649fs (NM_001407649.1, NM_001407670.1, NM_001407671.1 and 11 more transcripts); c.1992_1993del, p.Arg665fs (NM_001407653.1, NM_001407654.1, NM_001407655.1 and 4 more transcripts); and 42 more; short protein forms R691fs, R644fs, R395fs, R579fs, R623fs, R643fs, R523fs, R563fs.
Identifiers: ClinVar variation 91574 (VCV000091574.25), dbSNP rs80357688, ClinGen allele CA001370.
Genomic context (GRCh38, chr17:43,093,459, plus strand): 5'-TTAGTAAAAGAACCAGGTGCATTTGTTAACTTCAGCTCTGGGAAAGTATCGCTGTCATGT[CTT>C]TTACTTGTCTGTTCATTTGGCTTGTTACTCTTCTTGGCTCCAGTTGCAGGTTCTTTACCT-3'

ClinVar aggregate classification (germline): Pathogenic. Review status: criteria provided, multiple submitters, no conflicts (2 of 4 stars). 10 submissions from 10 submitters: Pathogenic (8). 2 of the submissions do not count toward it. Last evaluated 2025-09-05.

Conditions:
Hereditary cancer-predisposing syndrome. Also called: Hereditary Cancer Syndrome; Hereditary neoplastic syndrome; Neoplastic Syndromes, Hereditary; Tumor predisposition. Identifiers: Orphanet 140162, MedGen C0027672, MeSH D009386, MONDO:0015356.
Breast-ovarian cancer, familial, susceptibility to, 1 (BROVCA1). Also called: BRCA1 Hereditary Breast and Ovarian Cancer; OVARIAN CANCER, SUSCEPTIBILITY TO. Identifiers: Orphanet 145, MedGen C2676676, MONDO:0011450, OMIM 604370. Disease mechanism: loss of function.
Hereditary breast ovarian cancer syndrome. Also called: BRCA1- and BRCA2-Associated Hereditary Breast and Ovarian Cancer; Hereditary breast and ovarian cancer syndrome; Hereditary breast and ovarian cancer syndrome (HBOC); Breast and ovarian cancer; Hereditary breast and/or ovarian cancer syndrome; Hereditary breast and ovarian cancer. Identifiers: Orphanet 145, MedGen C0677776, MeSH D061325, MONDO:0003582. Disease mechanism: loss of function.

Submissions (10):

Variantyx, Inc.
Classification: Pathogenic for Breast-ovarian cancer, familial, susceptibility to, 1. Last evaluated: 2025-09-05. Review status: criteria provided, single submitter. Criteria: Variantyx Assertion Criteria 2022. Collection method: clinical testing. Allele origin: germline. Inheritance: Autosomal dominant inheritance.
Comment: This is a frameshift variant in the BRCA1 gene (OMIM: 113705). Pathogenic variants in this gene have been associated with autosomal dominant susceptibility to familial breast-ovarian cancer 1. This variant introduces a premature termination codon in exon 10 out of 23 and is expected to result in loss of function, which is a known disease mechanism for BRCA1 (PMID: 11157798;20104584) (PVS1). This is a protein termination codon (PTC) variant in an exon where a different proven pathogenic PTC variant has been previously reported in similarly affected individuals (ENIGMA ClinGen Variant Curation Expert Panel (VCEP)) (PM5_Strong). It has been reported in the heterozygous state in individuals with breast and/or ovarian cancer (PMID: 24578176;31409081), while it is absent from control populations. Based on the current evidence, this variant is classified as pathogenic for autosomal dominant susceptibility to familial breast-ovarian cancer 1.

Ambry Genetics
Classification: Pathogenic for Hereditary cancer-predisposing syndrome. Last evaluated: 2025-01-06. Review status: criteria provided, single submitter. Criteria: Ambry Variant Classification Scheme 2023. Collection method: clinical testing. Allele origin: germline.
Comment: The c.2070_2071delAA pathogenic mutation, located in coding exon 9 of the BRCA1 gene, results from a deletion of two nucleotides at nucleotide positions 2070 to 2071, causing a translational frameshift with a predicted alternate stop codon (p.R691Tfs*2). This variant is considered to be rare based on population cohorts in the Genome Aggregation Database (gnomAD). This alteration is expected to result in loss of function by premature protein truncation or nonsense-mediated mRNA decay. As such, this alteration is interpreted as a disease-causing mutation.

Clinical Genetics Laboratory, Skane University Hospital Lund
Classification: Pathogenic. Last evaluated: 2023-11-02. Review status: criteria provided, single submitter. Criteria: ACMG Guidelines, 2015. Collection method: clinical testing. Allele origin: germline. Affected: yes.

Labcorp Genetics (formerly Invitae), Labcorp
Classification: Pathogenic for Hereditary breast ovarian cancer syndrome. Last evaluated: 2023-07-07. Review status: criteria provided, single submitter. Criteria: Invitae Variant Classification Sherloc (09022015). Collection method: clinical testing. Allele origin: germline.
Comment: This sequence change creates a premature translational stop signal (p.Arg691Thrfs*2) in the BRCA1 gene. It is expected to result in an absent or disrupted protein product. Loss-of-function variants in BRCA1 are known to be pathogenic (PMID: 20104584). This variant is not present in population databases (gnomAD no frequency). This premature translational stop signal has been observed in individual(s) with breast cancer (PMID: 24578176). ClinVar contains an entry for this variant (Variation ID: 91574). For these reasons, this variant has been classified as Pathogenic.

Baylor Genetics
Classification: Pathogenic for Breast-ovarian cancer, familial, susceptibility to, 1. Last evaluated: 2023-06-02. Review status: criteria provided, single submitter. Criteria: ACMG Guidelines, 2015. Collection method: clinical testing. Allele origin: unknown.

Women's Health and Genetics/Laboratory Corporation of America, LabCorp
Classification: Pathogenic for Hereditary breast ovarian cancer syndrome. Last evaluated: 2022-01-10. Review status: criteria provided, single submitter. Criteria: LabCorp Variant Classification Summary - May 2015. Collection method: clinical testing. Allele origin: germline.
Comment: Variant summary: BRCA1 c.2070_2071delAA (p.Arg691ThrfsX2) results in a premature termination codon, predicted to cause a truncation of the encoded protein or absence of the protein due to nonsense mediated decay, which are commonly known mechanisms for disease. Truncations downstream of this position have been classified as pathogenic by our laboratory. The variant was absent in 251188 control chromosomes (gnomAD). c.2070_2071delAA has been reported in the literature in individuals affected with Hereditary Breast and/or Ovarian Cancer (examples: Wen_2017, Machackova_2019). These data indicate that the variant is likely to be associated with disease. To our knowledge, no experimental evidence demonstrating an impact on protein function has been reported. Four submitters have submitted clinical-significance assessments for this variant to ClinVar after 2014 and all classified the variant as pathogenic. Based on the evidence outlined above, the variant was classified as pathogenic.

Color Diagnostics, LLC DBA Color Health
Classification: Pathogenic for Hereditary cancer-predisposing syndrome. Last evaluated: 2020-12-29. Review status: criteria provided, single submitter. Criteria: ACMG Guidelines, 2015. Collection method: clinical testing. Allele origin: germline.
Comment: This variant deletes 2 nucleotides in exon 10 of the BRCA1 gene, creating a frameshift and premature translation stop signal. This variant is expected to result in an absent or non-functional protein product. This variant has been reported in an individual affected with breast cancer (PMID: 24578176) and a suspected hereditary breast and ovarian cancer family (PMID: 31409081). This variant has not been identified in the general population by the Genome Aggregation Database (gnomAD). Loss of BRCA1 function is a known mechanism of disease. Based on the available evidence, this variant is classified as Pathogenic.

Consortium of Investigators of Modifiers of BRCA1/2 (CIMBA), c/o University of Cambridge
Classification: Pathogenic for Breast-ovarian cancer, familial, susceptibility to, 1. Last evaluated: 2015-10-02. Review status: criteria provided, single submitter. Criteria: CIMBA Mutation Classification guidelines May 2016. Collection method: clinical testing. Allele origin: germline.

Breast Cancer Information Core (BIC) (BRCA1)
Classification: Pathogenic for Breast-ovarian cancer, familial 1. Last evaluated: 2009-08-07. Review status: no assertion criteria provided. Collection method: clinical testing. Allele origin: germline. Affected: yes. Observed: 1 variant allele. Not counted in ClinVar's aggregate classification.

Sharing Clinical Reports Project (SCRP)
Classification: Pathogenic for Breast-ovarian cancer, familial 1. Last evaluated: 2008-05-19. Review status: no assertion criteria provided. Collection method: clinical testing. Allele origin: germline. Not counted in ClinVar's aggregate classification.

Literature cited by the submitters: PubMed 11157798 (cited by Variantyx, Inc.); PubMed 20104584 (cited by Variantyx, Inc. and Labcorp Genetics (formerly Invitae), Labcorp); PubMed 31409081 (cited by Variantyx, Inc. and Women's Health and Genetics/Laboratory Corporation of America, LabCorp); PubMed 24578176 (cited by 3 submitters); PubMed 28993434 (cited by Women's Health and Genetics/Laboratory Corporation of America, LabCorp); PubMed 30702160 (cited by Women's Health and Genetics/Laboratory Corporation of America, LabCorp).